The following is an entry in ClinVar:

ClinVar aggregate classification (germline): Pathogenic. Review status: criteria provided, multiple submitters, no conflicts (2 of 4 stars). 2 submissions from 2 submitters: Pathogenic (2). Last evaluated 2024-06-19.

Conditions:
Leri-Weill dyschondrosteosis (LWD). Also called: DYSCHONDROSTEOSIS; Leri-Weill Dyschondrosteosis (LWD); Léri-Weill dyschondrosteosis. Identifiers: Orphanet 240, MedGen C0265309, MONDO:0007481, OMIM 127300.

Submissions (2):

Women's Health and Genetics/Laboratory Corporation of America, LabCorp
Classification: Pathogenic for Leri-Weill dyschondrosteosis. Last evaluated: 2024-06-19. Review status: criteria provided, single submitter. Criteria: LabCorp Variant Classification Summary - May 2015. Collection method: clinical testing. Allele origin: germline.
Comment: Variant summary: SHOX c.454C>T (p.Gln152X) results in a premature termination codon, predicted to cause a truncation of the encoded protein or absence of the protein due to nonsense mediated decay, which are commonly known mechanisms for disease. The variant was absent in 208708 control chromosomes. To our knowledge, no occurrence of c.454C>T in individuals affected with Leri-Weill Dyschondrosteosis and no experimental evidence demonstrating its impact on protein function have been reported. ClinVar contains an entry for this variant (Variation ID: 1807413). Based on the evidence outlined above, the variant was classified as pathogenic.

Athena Diagnostics
Classification: Pathogenic. Last evaluated: 2022-03-16. Review status: criteria provided, single submitter. Criteria: Athena Diagnostics Criteria. Collection method: clinical testing. Allele origin: unknown.
Comment: This variant is expected to result in the loss of a functional protein. This variant has not been reported in large, multi-ethnic general populations. This variant has been identified in at least one individual tested at Athena Diagnostics with clinical features associated with this gene.

NM_000451.4(SHOX):c.454C>T (p.Gln152Ter)

Genes: SHOX (SHOX homeobox; plus strand), LOC107652445 (meiotic recombination hotspot SHOX; plus strand). Cytogenetic location: Xp22.33.
Variant type: single nucleotide variant.
Coding change: c.454C>T on transcript NM_000451.4 (MANE Select); coding-DNA position 454, C replaced by T.
Protein change: p.Gln152Ter; replaces glutamine 152 with a stop codon.
Molecular consequence: nonsense.
Genome position (GRCh38, 1-based): chrX:634,794, C>T. VCF-style: chrX-634794-C-T. GRCh37 (hg19) VCF-style: chrX-595529-C-T.
Other names: c.454C>T, p.Gln152Ter (NM_006883.2); short protein forms Q152*.
Identifiers: ClinVar variation 1807413 (VCV001807413.2), dbSNP rs2522102328, ClinGen allele CA412231530.